The following is an entry in ClinVar:

ClinVar aggregate classification (germline): Likely pathogenic (1 of 4 stars; one submission).

Conditions:
Maturity-onset diabetes of the young type 1. Also called: MILD JUVENILE DIABETES MELLITUS; MODY type 1; Diabetes mellitus MODY type 1; MODY HNF4A related; HNF4A-Related Maturity-Onset Diabetes of the Young Type 1; MODY, type I. Identifiers: Orphanet 552, MedGen C1852093, MONDO:0007452, OMIM 125850. Disease mechanism: loss of function.

Submission:

3billion
Classification: Likely pathogenic for Maturity-onset diabetes of the young type 1. Last evaluated: 2022-01-03. Review status: criteria provided, single submitter. Criteria: ACMG Guidelines, 2015. Collection method: clinical testing. Allele origin: germline. Affected: yes. Observed: 1 heterozygote.
Comment: The variant is located in a well-established functional domain or exonic hotspot, where pathogenic variants have frequently reported (PM1_M). In silico tool predictions suggest damaging effect of the variant on gene or gene product (REVEL: 0.927, 3CNET: 0.998, PP3_P). A missense variant is a common mechanism associated with MODY (PP2_P). It is not observed in the gnomAD v2.1.1 dataset (PM2_M).Therefore, this variant is classified as likely pathogenic according to the recommendation of ACMG/AMP guideline.

NM_175914.5(HNF4A):c.179G>T (p.Gly60Val)

Gene: HNF4A (hepatocyte nuclear factor 4 alpha; plus strand). Cytogenetic location: 20q13.12.
Variant type: single nucleotide variant.
Coding change: c.179G>T on transcript NM_175914.5 (MANE Select); coding-DNA position 179, G replaced by T.
Protein change: p.Gly60Val; replaces glycine 60 with valine.
Molecular consequence: missense variant.
Genome position (GRCh38, 1-based): chr20:44,406,187, G>T. VCF-style: chr20-44406187-G-T. GRCh37 (hg19) VCF-style: chr20-43034827-G-T.
Other names: c.245G>T, p.Gly82Val (NM_000457.6, NM_178849.3, NM_178850.3); c.179G>T, p.Gly60Val (NM_001030003.3, NM_001030004.3); c.224G>T, p.Gly75Val (NM_001258355.2); c.170G>T, p.Gly57Val (NM_001287182.2, NM_001287183.2, NM_001287184.2); short protein forms G57V, G60V, G75V, G82V.
Identifiers: ClinVar variation 1333652 (VCV001333652.1), dbSNP rs2146368271, ClinGen allele CA409103931.